The following is an entry in ClinVar:

NM_000143.4(FH):c.1058T>C (p.Leu353Pro)

Gene: FH (fumarate hydratase; minus strand). Cytogenetic location: 1q43.
Variant type: single nucleotide variant.
Coding change: c.1058T>C on transcript NM_000143.4 (MANE Select); coding-DNA position 1058, T replaced by C.
Protein change: p.Leu353Pro; replaces leucine 353 with proline.
Molecular consequence: missense variant.
Genome position (GRCh38, 1-based): chr1:241,504,092, A>G on the plus strand (T>C on the coding strand, the complement: FH is on the minus strand). VCF-style: chr1-241504092-A-G. GRCh37 (hg19) VCF-style: chr1-241667392-A-G.
Other names: short protein forms L353P.
Identifiers: ClinVar variation 1779253 (VCV001779253.6), dbSNP rs2527319253, ClinGen allele CA345438106.

ClinVar aggregate classification (germline): Uncertain significance. Review status: criteria provided, multiple submitters, no conflicts (2 of 4 stars). 2 submissions from 2 submitters: Uncertain significance (2). Last evaluated 2026-02-19.

Conditions:
Hereditary cancer-predisposing syndrome. Also called: Tumor predisposition; Hereditary Cancer Syndrome; Hereditary neoplastic syndrome; Neoplastic Syndromes, Hereditary. Identifiers: Orphanet 140162, MedGen C0027672, MeSH D009386, MONDO:0015356.

Submissions (2):

Ambry Genetics
Classification: Uncertain significance for Hereditary cancer-predisposing syndrome. Last evaluated: 2026-02-19. Review status: criteria provided, single submitter. Criteria: Ambry Variant Classification Scheme 2023. Collection method: clinical testing. Allele origin: germline.
Comment: The p.L353P variant (also known as c.1058T>C), located in coding exon 7 of the FH gene, results from a T to C substitution at nucleotide position 1058. The leucine at codon 353 is replaced by proline, an amino acid with similar properties. This amino acid position is highly conserved in available vertebrate species. In addition, this alteration is predicted to be deleterious by in silico analysis. Based on the available evidence, the clinical significance of this variant remains unclear.

Labcorp Genetics (formerly Invitae), Labcorp
Classification: Uncertain significance. Last evaluated: 2024-05-12. Review status: criteria provided, single submitter. Criteria: Invitae Variant Classification Sherloc (09022015). Collection method: clinical testing. Allele origin: germline.
Comment: This sequence change replaces leucine, which is neutral and non-polar, with proline, which is neutral and non-polar, at codon 353 of the FH protein (p.Leu353Pro). This variant is not present in population databases (gnomAD no frequency). This variant has not been reported in the literature in individuals affected with FH-related conditions. ClinVar contains an entry for this variant (Variation ID: 1779253). Advanced modeling of protein sequence and biophysical properties (such as structural, functional, and spatial information, amino acid conservation, physicochemical variation, residue mobility, and thermodynamic stability) performed at Invitae indicates that this missense variant is expected to disrupt FH protein function with a positive predictive value of 95%. In summary, the available evidence is currently insufficient to determine the role of this variant in disease. Therefore, it has been classified as a Variant of Uncertain Significance.